The following is an entry in ClinVar:

ClinVar aggregate classification (germline): Uncertain significance (1 of 4 stars; one submission).

Conditions:
Birt-Hogg-Dube syndrome. Also called: Birt Hogg Dubé syndrome. Identifiers: Orphanet 122, MedGen C0346010, MONDO:0800444.

Submission:

Labcorp Genetics (formerly Invitae), Labcorp
Classification: Uncertain significance for Birt-Hogg-Dube syndrome. Last evaluated: 2017-10-04. Review status: criteria provided, single submitter. Criteria: Invitae Variant Classification Sherloc (09022015). Collection method: clinical testing. Allele origin: germline.
Comment: This variant is a gross duplication of the genomic region encompassing exons 10-14 of the FLCN gene. The 5' boundary is likely confined to intron 9. The 3' end of this event is unknown as it extends beyond the assayed region for this gene and therefore may encompass additional genes. The exact location of this variant in the genome is unknown. This variant has not been reported in the literature in individuals with FLCN-related disease. Experimental studies and prediction algorithms are not available for this variant, and the functional significance of the duplicated amino acids is currently unknown. In summary, the available evidence is currently insufficient to determine the role of this variant in disease. Therefore, it has been classified as a Variant of Uncertain Significance.

NC_000017.10:g.(?_17116963)_(17120502_?)dup

Gene: FLCN (folliculin; minus strand). Cytogenetic location: 17p11.2.
Variant type: Duplication.
Identifiers: ClinVar variation 530022 (VCV000530022.2).